The following is an entry in ClinVar:

NM_021975.4(RELA):c.1137GGCCCC[3] (p.380AP[3])

Gene: RELA (RELA proto-oncogene, NF-kB subunit; minus strand). Cytogenetic location: 11q13.1.
Variant type: Microsatellite.
Coding change: c.1137GGCCCC[3] on transcript NM_021975.4 (MANE Select); three copies in a row of the 6-base unit GGCCCC starting at c.1137; the reference has two copies in a row; one copy, 6 bases duplicated.
Protein change: p.380AP[3].
Molecular consequence: inframe insertion. On other transcripts: intron variant (1).
Genome position (GRCh38, 1-based): chr11:65,654,886-65,654,891, GGGGCC duplicated on the plus strand (GGCCCC on the coding strand, the reverse complement: RELA is on the minus strand); duplicating any 6 consecutive bases within chr11:65,654,886-65,654,897 gives the same sequence; the position shown is the placement nearest the transcript's 3' end. VCF-style (leftmost placement, unchanged base first): chr11-65654885-A-AGGGGCC. GRCh37 (hg19) VCF-style: chr11-65422356-A-AGGGGCC.
Other names: c.1128GGCCCC[3], p.377AP[3] (NM_001145138.2); c.1137GGCCCC[3], p.380AP[3] (NM_001243985.2); c.1034-104GGCCCC[3] (NM_001243984.2).
Identifiers: ClinVar variation 1359470 (VCV001359470.8), dbSNP rs1590931490, ClinGen allele CA2574878385.

ClinVar aggregate classification (germline): Uncertain significance (1 of 4 stars; one submission).

Submission:

Labcorp Genetics (formerly Invitae), Labcorp
Classification: Uncertain significance. Last evaluated: 2025-10-01. Review status: criteria provided, single submitter. Criteria: Invitae Variant Classification Sherloc (09022015). Collection method: clinical testing. Allele origin: germline.
Comment: This variant, c.1143_1148dup, results in the insertion of 2 amino acid(s) of the RELA protein (p.Ala382_Pro383dup), but otherwise preserves the integrity of the reading frame. This variant is not present in population databases (gnomAD no frequency). This variant has not been reported in the literature in individuals affected with RELA-related conditions. Experimental studies and prediction algorithms are not available or were not evaluated, and the functional significance of this variant is currently unknown. In summary, the available evidence is currently insufficient to determine the role of this variant in disease. Therefore, it has been classified as a Variant of Uncertain Significance.